The following is an entry in ClinVar:

NM_000153.4(GALC):c.442+4A>G

Gene: GALC (galactosylceramidase; minus strand). Cytogenetic location: 14q31.3.
Variant type: single nucleotide variant.
Coding change: c.442+4A>G on transcript NM_000153.4 (MANE Select); 4 bases into the intron after coding-DNA position 442, A replaced by G.
Molecular consequence: intron variant.
Genome position (GRCh38, 1-based): chr14:87,986,485, T>C on the plus strand (A>G on the coding strand, the complement: GALC is on the minus strand). VCF-style: chr14-87986485-T-C. GRCh37 (hg19) VCF-style: chr14-88452829-T-C.
Other names: c.364+4A>G (NM_001201402.2); c.373+4A>G (NM_001201401.2).
Identifiers: ClinVar variation 887746 (VCV000887746.15), dbSNP rs753169234, ClinGen allele CA7297387.

ClinVar aggregate classification (germline): Uncertain significance. Review status: criteria provided, multiple submitters, no conflicts (2 of 4 stars). 4 submissions from 4 submitters: Uncertain significance (4). Last evaluated 2026-02-25.

Conditions:
Inborn genetic diseases. Identifiers: MedGen C0950123, MeSH D030342.
Galactosylceramide beta-galactosidase deficiency. Also called: GALACTOCEREBROSIDASE DEFICIENCY; GALC DEFICIENCY; GLOBOID CELL LEUKOENCEPHALOPATHY; Krabbe Disease; Leukodystrophy, Globoid Cell. Identifiers: Orphanet 487, MedGen C0023521, MONDO:0009499, OMIM 245200.

Allele frequency attached by ClinVar (database versions not stated): gnomAD exomes below 0.00001; ExAC 0.00001.
gnomAD v4.1: 1 of 1,534,612 alleles (0.000065%); highest among the groups gnomAD compares: Non-Finnish European, 0.00009%; no homozygotes.

Submissions (4):

Ambry Genetics
Classification: Uncertain significance for Inborn genetic diseases. Last evaluated: 2026-02-25. Review status: criteria provided, single submitter. Criteria: Ambry Variant Classification Scheme 2023. Collection method: clinical testing. Allele origin: germline.
Comment: The c.442+4A>G intronic alteration consists of a A to G substitution 4 nucleotides after exon 4 of the GALC gene. Based on data from gnomAD, the G allele has an overall frequency of <0.001% (1/248906) total alleles studied. The highest observed frequency was 0.001% (1/112932) of European (non-Finnish) alleles. Based on insufficient or conflicting evidence, the clinical significance of this alteration remains unclear.

Labcorp Genetics (formerly Invitae), Labcorp
Classification: Uncertain significance for Galactosylceramide beta-galactosidase deficiency. Last evaluated: 2021-07-15. Review status: criteria provided, single submitter. Criteria: Invitae Variant Classification Sherloc (09022015). Collection method: clinical testing. Allele origin: germline.
Comment: This sequence change falls in intron 4 of the GALC gene. It does not directly change the encoded amino acid sequence of the GALC protein. It affects a nucleotide within the consensus splice site of the intron. This variant is present in population databases (rs753169234, ExAC 0.002%). This variant has not been reported in the literature in individuals with GALC-related conditions. ClinVar contains an entry for this variant (Variation ID: 887746). Nucleotide substitutions within the consensus splice site are a relatively common cause of aberrant splicing (PMID: 17576681, 9536098). Algorithms developed to predict the effect of sequence changes on RNA splicing suggest that this variant may disrupt the consensus splice site, but this prediction has not been confirmed by published transcriptional studies. In summary, the available evidence is currently insufficient to determine the role of this variant in disease. Therefore, it has been classified as a Variant of Uncertain Significance.

Fulgent Genetics
Classification: Uncertain significance for Galactosylceramide beta-galactosidase deficiency. Last evaluated: 2021-07-12. Review status: criteria provided, single submitter. Criteria: ACMG Guidelines, 2015. Collection method: clinical testing. Allele origin: unknown.

Illumina Laboratory Services, Illumina
Classification: Uncertain significance for Galactosylceramide beta-galactosidase deficiency. Last evaluated: 2018-01-13. Review status: criteria provided, single submitter. Criteria: ICSL Variant Classification Criteria 13 December 2019. Collection method: clinical testing. Allele origin: germline.

Literature cited by the submitters: PubMed 17576681 (cited by Labcorp Genetics (formerly Invitae), Labcorp); PubMed 9536098 (cited by Labcorp Genetics (formerly Invitae), Labcorp).